The following is an entry in ClinVar:

NM_001370.2(DNAH6):c.1509AGA[2] (p.Glu505del)

Gene: DNAH6 (dynein axonemal heavy chain 6; plus strand). Cytogenetic location: 2p11.2.
Variant type: Microsatellite.
Coding change: c.1509AGA[2] on transcript NM_001370.2 (MANE Select); two copies in a row of the 3-base unit AGA starting at c.1509; the reference has three copies in a row; one copy, 3 bases deleted.
Protein change: p.Glu505del; deletes glutamic acid 505.
Molecular consequence: inframe deletion.
Genome position (GRCh38, 1-based): chr2:84,552,947-84,552,949, AGA deleted; deleting any 3 consecutive bases within chr2:84,552,940-84,552,949 gives the same sequence; the position shown is the placement nearest the transcript's 3' end. VCF-style (leftmost placement, unchanged base first): chr2-84552939-CAAG-C. GRCh37 (hg19) VCF-style: chr2-84780063-CAAG-C.
Other names: short protein forms E505del.
Identifiers: ClinVar variation 767806 (VCV000767806.28), dbSNP rs143228855, ClinGen allele CA1736687.
Genomic context (GRCh38, chr2:84,552,939, plus strand): 5'-ACTTGTGTCTTTATAACACTGTACATATATTCATTTCAGGGGACCCTTATGGTGGAAAAG[CAAG>C]AAGAAGATGAATCTCTCATCCCCATGTTTCTCACAGAACTAATGTTGACAGTCCAGTCAC-3'

ClinVar aggregate classification (germline): Likely benign. Review status: criteria provided, multiple submitters, no conflicts (2 of 4 stars). 3 submissions from 3 submitters: Likely benign (2). 1 of the submissions does not count toward it. Last evaluated 2026-09-01.

Conditions:
DNAH6-related disorder. Also called: DNAH6-related condition.

Submissions (3):

CeGaT Center for Human Genetics Tuebingen
Classification: Likely benign. Last evaluated: 2026-09-01. Review status: criteria provided, single submitter. Criteria: CeGaT Center For Human Genetics Tuebingen Variant Classification Criteria Version 2. Collection method: clinical testing. Allele origin: germline. Affected: yes. Observed: 5 variant alleles.
Comment: DNAH6: PM4:Supporting, BS2

Labcorp Genetics (formerly Invitae), Labcorp
Classification: Likely benign. Last evaluated: 2018-06-28. Review status: criteria provided, single submitter. Criteria: Invitae Variant Classification Sherloc (09022015). Collection method: clinical testing. Allele origin: germline.

PreventionGenetics, part of Exact Sciences
Classification: Likely benign for DNAH6-related condition. Last evaluated: 2021-12-18. Review status: no assertion criteria provided. Collection method: clinical testing. Allele origin: germline. Not counted in ClinVar's aggregate classification.
Comment: This variant is classified as likely benign based on ACMG/AMP sequence variant interpretation guidelines (Richards et al. 2015 PMID: 25741868, with internal and published modifications).